The following is an entry in ClinVar:

ClinVar aggregate classification (germline): Uncertain significance. Review status: criteria provided, multiple submitters, no conflicts (2 of 4 stars). 5 submissions from 5 submitters: Uncertain significance (4). 1 of the submissions does not count toward it. Last evaluated 2025-01-29.

Allele frequency attached by ClinVar (database versions not stated): ExAC 0.00007; TOPMed 0.00014; gnomAD 0.00015; ESP Exome Variant Server 0.00023.
gnomAD v4.1: 55 of 1,614,072 alleles (0.0034%); highest among the groups gnomAD compares: African/African-American, 0.045%; no homozygotes.

Submissions (5):

GeneDx
Classification: Uncertain significance. Last evaluated: 2025-01-29. Review status: criteria provided, single submitter. Criteria: GeneDx Variant Classification Process June 2021. Collection method: clinical testing. Allele origin: germline. Affected: yes.
Comment: In silico analysis indicates that this missense variant does not alter protein structure/function; Functional studies show this variant may impact FVIII binding however additional studies are needed to validate the functional effect of this variant in vivo (PMID: 23636243); Has been reported in the heterozygous state in a patient classified as having von Willebrand disease (vWD) type 1, and in the compound heterozygous state with a second variant in a patient with clinical features overlapping vWD type 1 and type 2N (PMID: 8562925, 29388750); it has also been listed in as association with vWD type 2N an additional report but supporting data were not provided (PMID: 34494337); This variant is associated with the following publications: (PMID: 23636243, 8562925, 23216583, 37647632, 19453940, 23690449, 22197721, 7557958, 29388750, 34494337, 33424085, 10494764, 19506358)

Women's Health and Genetics/Laboratory Corporation of America, LabCorp
Classification: Uncertain significance. Last evaluated: 2024-09-13. Review status: criteria provided, single submitter. Criteria: LabCorp Variant Classification Summary - May 2015. Collection method: clinical testing. Allele origin: germline.
Comment: Variant summary: VWF c.2344C>T (p.Arg782Trp) results in a non-conservative amino acid change in the encoded protein sequence. Three of five in-silico tools predict a damaging effect of the variant on protein function. The variant allele was found at a frequency of 5.6e-05 in 251320 control chromosomes (gnomAD). This frequency is not significantly higher than estimated for a pathogenic variant in VWF causing Von Willebrand Disease, allowing no conclusion about variant significance. c.2344C>T has been reported in the literature in cis with another variant in an early report by Kroner_1991 (not available to review) and also reported in individuals affected with features of type 2N Von Willebrand Disease with reportedly moderate decreases in Factor VIII binding capacity (cited in Perez-Rodriguez_2021). It has also been reported with unclear genotype-phenotype association based on clinical and biochemical analysis among members of a family with Von Willebrand Disease (example, Zhang_1995). These reports do not provide unequivocal conclusions about association of the variant with Von Willebrand Disease. At least one publication reports experimental evidence evaluating an impact on protein function. These results showed no damaging effect of this variant on proteolytic cleavage by ADAMTS13 in the presence of factor VIII in vitro (Skipwith_2013). The following publications have been ascertained in the context of this evaluation (PMID: 17000885, 34494337, 23636243, 37647632, 7557958). ClinVar contains an entry for this variant (Variation ID: 100212). Based on the evidence outlined above, the variant was classified as uncertain significance.

Blueprint Genetics
Classification: Uncertain significance. Last evaluated: 2024-09-03. Review status: criteria provided, single submitter. Criteria: ACMG Guidelines, 2015. Collection method: clinical testing. Allele origin: germline.

Quest Diagnostics Nichols Institute San Juan Capistrano
Classification: Uncertain significance. Last evaluated: 2023-05-25. Review status: criteria provided, single submitter. Criteria: Quest Diagnostics criteria. Collection method: clinical testing. Allele origin: unknown.
Comment: In the published literature, this variant has been reported in individuals with von Willebrand disease (VWD) type 2N (PMID: 8562925 (1996), 34494337 (2021)). It has also been reported in healthy individuals (PMID: 33424085 (2020)). Functional studies found this variant results in reduced FVIII binding (PMID: 8562925 (1996), 23636243 (2013)). The frequency of this variant in the general population, 0.00056 (14/24960 chromosomes (Genome Aggregation Database)), is uninformative in the assessment of its pathogenicity. Analysis of this variant using bioinformatics tools for the prediction of the effect of amino acid changes on protein structure and function yielded predictions that this variant is damaging. Based on the available information, we are unable to determine the clinical significance of this variant.

Academic Unit of Haematology, University of Sheffield
No classification provided. Review status: no classification provided. Collection method: not provided. Allele origin: not provided. Not counted in ClinVar's aggregate classification.

Literature cited by the submitters: PubMed 17000885 (cited by Women's Health and Genetics/Laboratory Corporation of America, LabCorp); PubMed 34494337 (cited by Women's Health and Genetics/Laboratory Corporation of America, LabCorp and Quest Diagnostics Nichols Institute San Juan Capistrano); PubMed 23636243 (cited by Women's Health and Genetics/Laboratory Corporation of America, LabCorp and Quest Diagnostics Nichols Institute San Juan Capistrano); PubMed 7557958 (cited by Women's Health and Genetics/Laboratory Corporation of America, LabCorp and Quest Diagnostics Nichols Institute San Juan Capistrano); PubMed 37647632 (cited by Women's Health and Genetics/Laboratory Corporation of America, LabCorp); PubMed 33424085 (cited by Quest Diagnostics Nichols Institute San Juan Capistrano); PubMed 8562925 (cited by Quest Diagnostics Nichols Institute San Juan Capistrano); PubMed 19506358 (cited by Quest Diagnostics Nichols Institute San Juan Capistrano); PubMed 29388750 (cited by Quest Diagnostics Nichols Institute San Juan Capistrano).

NM_000552.5(VWF):c.2344C>T (p.Arg782Trp)

Gene: VWF (von Willebrand factor; minus strand). Cytogenetic location: 12p13.31.
Variant type: single nucleotide variant.
Coding change: c.2344C>T on transcript NM_000552.5 (MANE Select); coding-DNA position 2344, C replaced by T.
Protein change: p.Arg782Trp; replaces arginine 782 with tryptophan.
Molecular consequence: missense variant.
Genome position (GRCh38, 1-based): chr12:6,044,389, G>A on the plus strand (C>T on the coding strand, the complement: VWF is on the minus strand). VCF-style: chr12-6044389-G-A. GRCh37 (hg19) VCF-style: chr12-6153555-G-A.
Other names: c.2344C>T (NM_000552.3); short protein forms R782W.
Identifiers: ClinVar variation 100212 (VCV000100212.6), dbSNP rs61748471, ClinGen allele CA228324.